The following continues an entry in ClinVar:

NM_000535.7(PMS2):c.2149G>A (p.Val717Met)

Gene: PMS2. ClinVar aggregate classification (germline): Conflicting classifications of pathogenicity. Uncertain significance (5); Benign (5); Likely benign (15).

Submissions 12 to 29 of 29:

Institute for Biomarker Research, Medical Diagnostic Laboratories, L.L.C.
Classification: Benign for Hereditary cancer-predisposing syndrome. Last evaluated: 2023-04-18. Review status: criteria provided, single submitter. Criteria: ACMG Guidelines, 2015. Collection method: clinical testing. Allele origin: germline.

Myriad Genetics, Inc.
Classification: Likely benign for Lynch syndrome 4. Last evaluated: 2023-04-05. Review status: criteria provided, single submitter. Criteria: Myriad Autosomal Dominant, Autosomal Recessive and X-Linked Classification Criteria (2023). Collection method: clinical testing. Allele origin: unknown.
Comment: This variant is considered likely benign. Homozygosity for this variant has been confirmed in one or more individuals lacking clinical features consistent with gene-specific recessive disease, indicating that this variant is unlikely to be pathogenic.

CHEO Genetics Diagnostic Laboratory, Children's Hospital of Eastern Ontario
Classification: Likely benign for Breast and/or ovarian cancer. Last evaluated: 2023-01-03. Review status: criteria provided, single submitter. Criteria: ACMG Guidelines, 2015. Collection method: clinical testing. Allele origin: germline.

Genetic Services Laboratory, University of Chicago
Classification: Likely benign. Last evaluated: 2021-12-13. Review status: criteria provided, single submitter. Criteria: ACMG Guidelines, 2015. Collection method: clinical testing. Allele origin: germline. Affected: no.

Sema4
Classification: Benign for Hereditary cancer-predisposing syndrome. Last evaluated: 2020-07-02. Review status: criteria provided, single submitter. Criteria: Sema4 Curation Guidelines. Collection method: curation. Allele origin: germline.

PreventionGenetics, part of Exact Sciences
Classification: Likely benign. Last evaluated: 2019-05-23. Review status: criteria provided, single submitter. Criteria: ACMG Guidelines, 2015. Collection method: clinical testing. Allele origin: germline.

Ambry Genetics
Classification: Likely benign for Hereditary cancer-predisposing syndrome. Last evaluated: 2018-12-28. Review status: criteria provided, single submitter. Criteria: Ambry Variant Classification Scheme 2023. Collection method: clinical testing. Allele origin: germline.

University of Washington Department of Laboratory Medicine, University of Washington
Classification: Likely benign for Lynch syndrome. Last evaluated: 2018-10-12. Review status: criteria provided, single submitter. Criteria: Tsai GJ et al. (Genet Med 2018). Collection method: clinical testing. Allele origin: germline. Inheritance: Autosomal dominant inheritance. Affected: yes.
Comment: The PMS2 variant designated as NM_000059.3:c.2149C>T (p.Val470Met) is classified as likely benign. This variant has been reported at a frequency of 1 in 70 individuals with Ashkenazi Jewish ancestry, and it is present in multiple ethnic populations. Variants present at this population frequency are unlikely to be associated with high penetrance hereditary cancer risk. This variant is in ClinVar (Variation ID: 41709) and has been classified as likely benign by other clinical laboratories. Bayesian analysis integrating all of this data (Tavtigian et al, 2018) gives about 1% probability of pathogenicity, which is consistent with a classification of likely benign. This variant is not predicted to alter PMS2 function or modify cancer risk. A modest (less than 2 fold) increase in cancer risk due to this variant cannot be entirely excluded. This analysis was performed in conjunction with the family studies project as part of the University of Washington Find My Variant Study.

Illumina Laboratory Services, Illumina
Classification: Uncertain significance for Lynch syndrome 4. Last evaluated: 2018-09-17. Review status: criteria provided, single submitter. Criteria: ICSL Variant Classification Criteria 13 December 2019. Collection method: clinical testing. Allele origin: germline.
Comment: This variant was observed as part of a predisposition screen in an ostensibly healthy population. A literature search was performed for the gene, cDNA change, and amino acid change (where applicable). Publications were found based on this search. However, the evidence from the literature, in combination with allele frequency data from public databases where available, was not sufficient to rule this variant in or out of causing disease. Therefore, this variant is classified as a variant of unknown significance.

GeneKor MSA
Classification: Uncertain significance for Hereditary cancer-predisposing syndrome. Last evaluated: 2018-08-01. Review status: criteria provided, single submitter. Criteria: ACMG Guidelines, 2015. Collection method: clinical testing. Allele origin: germline. Affected: yes.

GeneDx
Classification: Likely benign. Last evaluated: 2018-01-15. Review status: criteria provided, single submitter. Criteria: GeneDx Variant Classification (06012015). Collection method: clinical testing. Allele origin: germline. Affected: yes.
Comment: This variant is considered likely benign or benign based on one or more of the following criteria: it is a conservative change, it occurs at a poorly conserved position in the protein, it is predicted to be benign by multiple in silico algorithms, and/or has population frequency not consistent with disease.

Color Diagnostics, LLC DBA Color Health
Classification: Likely benign for Hereditary cancer-predisposing syndrome. Last evaluated: 2017-06-20. Review status: criteria provided, single submitter. Criteria: ACMG Guidelines, 2015. Collection method: clinical testing. Allele origin: germline.

Fulgent Genetics
Classification: Uncertain significance for Mismatch repair cancer syndrome 1; Lynch syndrome 4. Last evaluated: 2017-05-23. Review status: criteria provided, single submitter. Criteria: ACMG Guidelines, 2015. Collection method: clinical testing. Allele origin: unknown.

Genomic Diagnostic Laboratory, Division of Genomic Diagnostics, Children's Hospital of Philadelphia
Classification: Uncertain significance for Lynch syndrome. Last evaluated: 2015-10-31. Review status: criteria provided, single submitter. Criteria: DGD Variant Analysis Guidelines. Collection method: clinical testing. Allele origin: unknown.

Counsyl
Classification: Uncertain significance for Lynch syndrome 4. Last evaluated: 2016-06-01. Review status: no assertion criteria provided. Collection method: clinical testing. Allele origin: unknown. Not counted in ClinVar's aggregate classification.

Biesecker Lab/Clinical Genomics Section, National Institutes of Health
Classification: Uncertain significance. Last evaluated: 2012-07-13. Review status: no assertion criteria provided. Collection method: research. Allele origin: germline. Affected: no. Observed: 2 variant alleles. Study: ClinSeq. Not counted in ClinVar's aggregate classification.
ClinVar note: Converted during submission from variant of unknown significance to Uncertain significance.

Department of Pathology and Laboratory Medicine, Sinai Health System
Classification: Likely benign for Lynch syndrome. Review status: no assertion criteria provided. Collection method: clinical testing. Allele origin: unknown. Affected: yes. Study: The Canadian Open Genetics Repository (COGR). Not counted in ClinVar's aggregate classification.
Comment: The PMS2 p.Val717Met variant was identified in 3 of 1014 proband chromosomes (frequency: 0.003) from individuals or families with Lynch syndrome and breast cancer (Brea-Fernandez 2014, Tung 2016). The variant was also identified in dbSNP (ID: rs201671325) as â€šÃ„ÃºWith other alleleâ€šÃ„Ã¹, ClinVar (7x, as likely benign by GeneDx, Invitae, as uncertain significance by Ambry Genetics, university of Washington, The Children Hospital of Philadelphia, Counsyl and Biescker Lab), Clinvitae (5x, as likely benign and uncertain significance), Cosmic (1x, as neutral in Haematopoitic and lymphoid tissue), Insight Colon Cancer Gene Variant Database (1x, unknown pathogenicity), Insight Hereditary Tumor Database (1x). The variant was identified in control databases in 184 of 263616 chromosomes at a frequency of 0.0007 in the following populations: African in 1 of 22146 chromosomes (freq. 0.000045), other in 6 of 6242 chromosomes (freq. 0.00096), Latino in 25 of 32882 chromosomes (freq. 0.00076), European in 81 of 119490 chromosomes (freq. 0.00067), Ashkenazi Jewish in 70 of 9812 chromosomes (freq. 0.007) and Finnish in 1 of 24924 chromosomes (freq. 0.00004),increasing the likelihood this could be a low frequency variant in certain populations (Genome Aggregation Consortium Feb 27, 2017). The p.Val717 residue is conserved in mammals and computational analyses (PolyPhen-2, SIFT, AlignGVGD, BLOSUM, MutationTaster) provide inconsistent predictions regarding the impact to the protein; this information is not very predictive of pathogenicity. The variant occurs outside of the splicing consensus sequence and in silico or computational prediction software programs (SpliceSiteFinder, MaxEntScan, NNSPLICE, GeneSplicer, HumanSpliceFinder) do not predict a difference in splicing. In summary, based on the above information the clinical significance of this variant cannot be determined with certainty at this time. This variant is classified as a variant of likely benign.

Mayo Clinic Laboratories, Mayo Clinic
Classification: Uncertain significance. Review status: no assertion criteria provided. Collection method: clinical testing. Allele origin: unknown. Not counted in ClinVar's aggregate classification.

Literature cited by the submitters: PubMed 23709753 (cited by 4 submitters); PubMed 23837913 (cited by 5 submitters); PubMed 26845104 (cited by 4 submitters); PubMed 26976419 (cited by Women's Health and Genetics/Laboratory Corporation of America, LabCorp and Quest Diagnostics Nichols Institute San Juan Capistrano); PubMed 27978560 (cited by Women's Health and Genetics/Laboratory Corporation of America, LabCorp and Quest Diagnostics Nichols Institute San Juan Capistrano); PubMed 28135145 (cited by Women's Health and Genetics/Laboratory Corporation of America, LabCorp); PubMed 28365877 (cited by 3 submitters); PubMed 30093976 (cited by Women's Health and Genetics/Laboratory Corporation of America, LabCorp); PubMed 30256826 (cited by Women's Health and Genetics/Laboratory Corporation of America, LabCorp); PubMed 34371384 (cited by Women's Health and Genetics/Laboratory Corporation of America, LabCorp); PubMed 35263119 (cited by Women's Health and Genetics/Laboratory Corporation of America, LabCorp); PubMed 35475445 (cited by Women's Health and Genetics/Laboratory Corporation of America, LabCorp and Quest Diagnostics Nichols Institute San Juan Capistrano); PubMed 37534630 (cited by Women's Health and Genetics/Laboratory Corporation of America, LabCorp); PubMed 27435373 (cited by Quest Diagnostics Nichols Institute San Juan Capistrano and Ambry Genetics); PubMed 25186627 (cited by Quest Diagnostics Nichols Institute San Juan Capistrano and Counsyl); PubMed 27878467 (cited by Quest Diagnostics Nichols Institute San Juan Capistrano); PubMed 34326862 (cited by Quest Diagnostics Nichols Institute San Juan Capistrano); PubMed 32039725 (cited by Quest Diagnostics Nichols Institute San Juan Capistrano); PubMed 16609022 (cited by Quest Diagnostics Nichols Institute San Juan Capistrano); PubMed 27060149 (cited by Ambry Genetics); PubMed 27535533 (cited by Ambry Genetics).